The following is an entry in ClinVar:

NM_001048174.2(MUTYH):c.244G>C (p.Asp82His)

Gene: MUTYH (mutY DNA glycosylase; minus strand). Cytogenetic location: 1p34.1.
Variant type: single nucleotide variant.
Coding change: c.244G>C on transcript NM_001048174.2 (MANE Select); coding-DNA position 244, G replaced by C.
Protein change: p.Asp82His; replaces aspartic acid 82 with histidine.
Molecular consequence: missense variant. On other transcripts: 5 prime UTR variant (6), non-coding transcript variant (7).
Genome position (GRCh38, 1-based): chr1:45,333,433, C>G on the plus strand (G>C on the coding strand, the complement: MUTYH is on the minus strand). VCF-style: chr1-45333433-C-G. GRCh37 (hg19) VCF-style: chr1-45799105-C-G.
Other names: c.244G>C, p.Asp82His (NM_001407081.1, NM_001407088.1, NM_001407089.1 and 6 more transcripts); c.-28G>C (NM_001407082.1, NM_001350650.2, NM_001350651.2); c.286G>C, p.Asp96His (NM_001407083.1, NM_001407085.1, NM_001407073.1); c.247G>C, p.Asp83His (NM_001407086.1, NM_001048172.2, NM_001407071.1 and 2 more transcripts); c.265G>C, p.Asp89His (NM_001407087.1); c.-33G>C (NM_001407091.1, NM_001293192.2, NM_001293196.2); c.319G>C, p.Asp107His (NM_012222.3, NM_001407069.1); c.328G>C, p.Asp110His (NM_001128425.2); and 3 more; short protein forms D82H, D107H, D54H, D93H, D97H, D110H, D89H, D96H.
Identifiers: ClinVar variation 4113604 (VCV004113604.1).

ClinVar aggregate classification (germline): Uncertain significance (1 of 4 stars; one submission).

Conditions:
Hereditary cancer-predisposing syndrome. Also called: Hereditary neoplastic syndrome; Neoplastic Syndromes, Hereditary; Tumor predisposition; Hereditary Cancer Syndrome. Identifiers: Orphanet 140162, MedGen C0027672, MeSH D009386, MONDO:0015356.

Submission:

Ambry Genetics
Classification: Uncertain significance for Hereditary cancer-predisposing syndrome. Last evaluated: 2025-08-27. Review status: criteria provided, single submitter. Criteria: Ambry Variant Classification Scheme 2023. Collection method: clinical testing. Allele origin: germline.
Comment: The p.D110H variant (also known as c.328G>C), located in coding exon 3 of the MUTYH gene, results from a G to C substitution at nucleotide position 328. The aspartic acid at codon 110 is replaced by histidine, an amino acid with similar properties. This amino acid position is conserved. In addition, this alteration is predicted to be deleterious by in silico analysis. Based on the available evidence, the clinical significance of this variant remains unclear.